The following is an entry in ClinVar:

ClinVar aggregate classification (germline): Uncertain significance (1 of 4 stars; one submission).

Conditions:
Inborn genetic diseases. Identifiers: MedGen C0950123, MeSH D030342.

Submission:

Ambry Genetics
Classification: Uncertain significance for Inborn genetic diseases. Last evaluated: 2022-10-30. Review status: criteria provided, single submitter. Criteria: Ambry Variant Classification Scheme 2023. Collection method: clinical testing. Allele origin: germline.
Comment: The p.Y2099N variant (also known as c.6295T>A), located in coding exon 43 of the LRRK2 gene, results from a T to A substitution at nucleotide position 6295. The tyrosine at codon 2099 is replaced by asparagine, an amino acid with dissimilar properties. This amino acid position is conserved. In addition, this alteration is predicted to be deleterious by in silico analysis. Since supporting evidence is limited at this time, the clinical significance of this alteration remains unclear.

NM_198578.4(LRRK2):c.6295T>A (p.Tyr2099Asn)

Gene: LRRK2 (leucine rich repeat kinase 2; plus strand). Cytogenetic location: 12q12.
Variant type: single nucleotide variant.
Coding change: c.6295T>A on transcript NM_198578.4 (MANE Select); coding-DNA position 6295, T replaced by A.
Protein change: p.Tyr2099Asn; replaces tyrosine 2099 with asparagine.
Molecular consequence: missense variant.
Genome position (GRCh38, 1-based): chr12:40,348,423, T>A. VCF-style: chr12-40348423-T-A. GRCh37 (hg19) VCF-style: chr12-40742225-T-A.
Other names: short protein forms Y2099N.
Identifiers: ClinVar variation 1752673 (VCV001752673.2), dbSNP rs2499972493, ClinGen allele CA384405968.